The following is an entry in ClinVar:

ClinVar aggregate classification (germline): Uncertain significance (1 of 4 stars; one submission).

Allele frequency attached by ClinVar (database versions not stated): gnomAD exomes below 0.00001.
gnomAD v4.1: 2 of 1,614,168 alleles (0.00012%); highest among the groups gnomAD compares: Non-Finnish European, 0.00017%; no homozygotes.

Submission:

Ambry Genetics
Classification: Uncertain significance. Last evaluated: 2022-05-16. Review status: criteria provided, single submitter. Criteria: Ambry Variant Classification Scheme 2023. Collection method: clinical testing. Allele origin: germline.
Comment: The p.R130W variant (also known as c.388A>T), located in coding exon 1 of the PALLD gene, results from an A to T substitution at nucleotide position 388. The arginine at codon 130 is replaced by tryptophan, an amino acid with dissimilar properties. This amino acid position is conserved. In addition, this alteration is predicted to be tolerated by in silico analysis. Since supporting evidence is limited at this time, the clinical significance of this alteration remains unclear.

NM_001166108.2(PALLD):c.388A>T (p.Arg130Trp)

Gene: PALLD (palladin, cytoskeletal associated protein; plus strand). Cytogenetic location: 4q32.3.
Variant type: single nucleotide variant.
Coding change: c.388A>T on transcript NM_001166108.2 (MANE Select); coding-DNA position 388, A replaced by T.
Protein change: p.Arg130Trp; replaces arginine 130 with tryptophan.
Molecular consequence: missense variant.
Genome position (GRCh38, 1-based): chr4:168,511,892, A>T. VCF-style: chr4-168511892-A-T. GRCh37 (hg19) VCF-style: chr4-169433043-A-T.
Other names: c.388A>T, p.Arg130Trp (NM_016081.4); short protein forms R130W.
Identifiers: ClinVar variation 1735871 (VCV001735871.2), dbSNP rs2531431545, ClinGen allele CA358725729.